The following is an entry in ClinVar:

ClinVar aggregate classification (germline): Uncertain significance (1 of 4 stars; one submission).

Conditions:
Gorlin syndrome. Also called: Nevoid Basal Cell Carcinoma Syndrome; Basal cell nevus syndrome. Identifiers: Orphanet 377, MedGen C0004779, MONDO:0007187.

Submission:

Labcorp Genetics (formerly Invitae), Labcorp
Classification: Uncertain significance for Gorlin syndrome. Last evaluated: 2021-06-23. Review status: criteria provided, single submitter. Criteria: Invitae Variant Classification Sherloc (09022015). Collection method: clinical testing. Allele origin: germline.
Comment: This sequence change replaces glycine with aspartic acid at codon 290 of the PTCH1 protein (p.Gly290Asp). The glycine residue is highly conserved and there is a moderate physicochemical difference between glycine and aspartic acid. This variant is not present in population databases (ExAC no frequency). This variant has been observed in several individuals with clinical features of Gorlin syndrome (Invitae). ClinVar contains an entry for this variant (Variation ID: 219509). Algorithms developed to predict the effect of missense changes on protein structure and function are either unavailable or do not agree on the potential impact of this missense change (SIFT: "Tolerated"; PolyPhen-2: "Probably Damaging"; Align-GVGD: "Class C0"). In summary, the available evidence is currently insufficient to determine the role of this variant in disease. Therefore, it has been classified as a Variant of Uncertain Significance.

NM_000264.5(PTCH1):c.869G>A (p.Gly290Asp)

Gene: PTCH1 (patched 1; minus strand). Cytogenetic location: 9q22.32.
Variant type: single nucleotide variant.
Coding change: c.869G>A on transcript NM_000264.5 (MANE Select); coding-DNA position 869, G replaced by A.
Protein change: p.Gly290Asp; replaces glycine 290 with aspartic acid.
Molecular consequence: missense variant. On other transcripts: non-coding transcript variant (1).
Genome position (GRCh38, 1-based): chr9:95,480,466, C>T on the plus strand (G>A on the coding strand, the complement: PTCH1 is on the minus strand). VCF-style: chr9-95480466-C-T. GRCh37 (hg19) VCF-style: chr9-98242748-C-T.
Other names: c.671G>A, p.Gly224Asp (NM_001083602.3); c.866G>A, p.Gly289Asp (NM_001083603.3); c.416G>A, p.Gly139Asp (NM_001083604.3, NM_001083605.3, NM_001083606.3 and 1 more transcripts); c.869G>A, p.Gly290Asp (NM_001354918.2); short protein forms G224D, G290D, G139D, G289D.
Identifiers: ClinVar variation 219509 (VCV000219509.11), dbSNP rs864622130, ClinGen allele CA348928.